The following is an entry in ClinVar:

NM_006846.4(SPINK5):c.666+3A>G

Gene: SPINK5 (serine peptidase inhibitor Kazal type 5; plus strand). Cytogenetic location: 5q32.
Variant type: single nucleotide variant.
Coding change: c.666+3A>G on transcript NM_006846.4 (MANE Select); 3 bases into the intron after coding-DNA position 666, A replaced by G.
Molecular consequence: intron variant.
Genome position (GRCh38, 1-based): chr5:148,091,231, A>G. VCF-style: chr5-148091231-A-G. GRCh37 (hg19) VCF-style: chr5-147470794-A-G.
Other names: c.666+3A>G (NM_001127698.2, NM_001127699.2).
Identifiers: ClinVar variation 1517994 (VCV001517994.3), dbSNP rs762435955, ClinGen allele CA3495304.
Genomic context (GRCh38, chr5:148,091,231, plus strand): 5'-AGAAGCTGAAAATGCCAAGCGAGAGGGTGAAACTAGAATTCGACGAAATGCTGAAAAGGT[A>G]AAATGACTCACCAACGCAATTTTGTTCTTGTGGCCATATTTATTAACAAATGTATGCCTA-3'

ClinVar aggregate classification (germline): Uncertain significance (1 of 4 stars; one submission).

Conditions:
Netherton syndrome (NETH). Also called: COMEL-NETHERTON SYNDROME; ERYTHRODERMA, ICHTHYOSIFORM, WITH HYPOTRICHOSIS AND HYPER-IgE; NETHERTON DISEASE. Identifiers: Orphanet 634, MedGen C5574950, MONDO:0009735, OMIM 256500.

Allele frequency attached by ClinVar (database versions not stated): gnomAD 0.00001; gnomAD exomes 0.00002 and 0.00004; ExAC 0.00004.
gnomAD v4.1: 10 of 1,610,668 alleles (0.00062%); highest among the groups gnomAD compares: Admixed American, 0.017%; no homozygotes.

Submission:

Labcorp Genetics (formerly Invitae), Labcorp
Classification: Uncertain significance for Ichthyosis linearis circumflexa. Last evaluated: 2021-08-04. Review status: criteria provided, single submitter. Criteria: Invitae Variant Classification Sherloc (09022015). Collection method: clinical testing. Allele origin: germline.
Comment: This sequence change falls in intron 8 of the SPINK5 gene. It does not directly change the encoded amino acid sequence of the SPINK5 protein. It affects a nucleotide within the consensus splice site of the intron. This variant is present in population databases (rs762435955, ExAC 0.04%). This variant has not been reported in the literature in individuals affected with SPINK5-related conditions. Nucleotide substitutions within the consensus splice site are a relatively common cause of aberrant splicing (PMID: 17576681, 9536098). Algorithms developed to predict the effect of sequence changes on RNA splicing suggest that this variant may disrupt the consensus splice site. In summary, the available evidence is currently insufficient to determine the role of this variant in disease. Therefore, it has been classified as a Variant of Uncertain Significance.

Literature cited by the submitters: PubMed 17576681; PubMed 9536098.